The following is an entry in ClinVar:

NM_015971.4(MRPS7):c.95T>G (p.Val32Gly)

Gene: MRPS7 (mitochondrial ribosomal protein S7; plus strand). Cytogenetic location: 17q25.1.
Variant type: single nucleotide variant.
Coding change: c.95T>G on transcript NM_015971.4 (MANE Select); coding-DNA position 95, T replaced by G.
Protein change: p.Val32Gly; replaces valine 32 with glycine.
Molecular consequence: missense variant.
Genome position (GRCh38, 1-based): chr17:75,262,508, T>G. VCF-style: chr17-75262508-T-G. GRCh37 (hg19) VCF-style: chr17-73258589-T-G.
Other names: short protein forms V32G.
Identifiers: ClinVar variation 2996660 (VCV002996660.3), dbSNP rs2545052760, ClinGen allele CA401006361.

ClinVar aggregate classification (germline): Uncertain significance (1 of 4 stars; one submission).

Submission:

Labcorp Genetics (formerly Invitae), Labcorp
Classification: Uncertain significance. Last evaluated: 2023-05-18. Review status: criteria provided, single submitter. Criteria: Invitae Variant Classification Sherloc (09022015). Collection method: clinical testing. Allele origin: germline.
Comment: In summary, the available evidence is currently insufficient to determine the role of this variant in disease. Therefore, it has been classified as a Variant of Uncertain Significance. Advanced modeling of protein sequence and biophysical properties (such as structural, functional, and spatial information, amino acid conservation, physicochemical variation, residue mobility, and thermodynamic stability) performed at Invitae indicates that this missense variant is not expected to disrupt MRPS7 protein function. This variant has not been reported in the literature in individuals affected with MRPS7-related conditions. This variant is not present in population databases (gnomAD no frequency). This sequence change replaces valine, which is neutral and non-polar, with glycine, which is neutral and non-polar, at codon 32 of the MRPS7 protein (p.Val32Gly).